The following is an entry in ClinVar:

ClinVar aggregate classification (germline): Uncertain significance. Review status: criteria provided, single submitter (1 of 4 stars). 2 submissions from 2 submitters: Uncertain significance (1). 1 of the submissions does not count toward it. Last evaluated 2021-07-30.

Conditions:
Isolated growth hormone deficiency, type 5. Also called: PITUITARY HORMONE DEFICIENCY, COMBINED OR ISOLATED, 7. Identifiers: MedGen C4748435, MONDO:0032569, OMIM 618160.
RNPC3-related disorder. Also called: RNPC3-related condition.

Allele frequency attached by ClinVar (database versions not stated): 1000 Genomes Project 30x 0.00031; ExAC 0.00046; gnomAD 0.00089; TOPMed 0.00102; gnomAD exomes 0.00155.

Submissions (2):

Department of Pathology and Laboratory Medicine, Sinai Health System
Classification: Uncertain significance for Isolated growth hormone deficiency, type 5. Last evaluated: 2021-07-30. Review status: criteria provided, single submitter. Criteria: ACMG Guidelines, 2015. Collection method: research. Allele origin: germline.

PreventionGenetics, part of Exact Sciences
Classification: Likely benign for RNPC3-related condition. Last evaluated: 2023-06-05. Review status: no assertion criteria provided. Collection method: clinical testing. Allele origin: germline. Not counted in ClinVar's aggregate classification.
Comment: This variant is classified as likely benign based on ACMG/AMP sequence variant interpretation guidelines (Richards et al. 2015 PMID: 25741868, with internal and published modifications).

NM_017619.4(RNPC3):c.1025A>C (p.Asn342Thr)

Gene: RNPC3 (RNA binding region (RNP1, RRM) containing 3; plus strand). Cytogenetic location: 1p21.1.
Variant type: single nucleotide variant.
Coding change: c.1025A>C on transcript NM_017619.4 (MANE Select); coding-DNA position 1025, A replaced by C.
Protein change: p.Asn342Thr; replaces asparagine 342 with threonine.
Molecular consequence: missense variant.
Genome position (GRCh38, 1-based): chr1:103,543,427, A>C. VCF-style: chr1-103543427-A-C. GRCh37 (hg19) VCF-style: chr1-104086049-A-C.
Other names: short protein forms N342T.
Identifiers: ClinVar variation 3044994 (VCV003044994.3), dbSNP rs191143343, ClinGen allele CA975713.